The following is an entry in ClinVar:

NM_199242.2(UNC13D):c.-356C>T

Genes: UNC13D (unc-13 homolog D; minus strand), LOC130061690 (ATAC-STARR-seq lymphoblastoid silent region 8988; plus strand). Cytogenetic location: 17q25.1.
Variant type: single nucleotide variant.
Coding change: c.-356C>T on transcript NM_199242.2; 356 bases upstream of the start codon, C replaced by T.
Genome position (GRCh38, 1-based): chr17:75,844,693, G>A on the plus strand (C>T on the coding strand, the complement: UNC13D is on the minus strand). VCF-style: chr17-75844693-G-A. GRCh37 (hg19) VCF-style: chr17-73840774-G-A.
Identifiers: ClinVar variation 325290 (VCV000325290.7), dbSNP rs936397, ClinGen allele CA10640608.
Genomic context (GRCh38, chr17:75,844,693, plus strand): 5'-ACGCTCTCAGCAGGGGGCGGGGGGGCCCAGAACAGGCGGGCAGCATCCTGCCCCATCCAT[G>A]TGCTGTGCCCAGGCTGGGCTGAACCCTGAGAGAAGCTGACCTGGGCCCGGGGGGGTTCTC-3'

ClinVar aggregate classification (germline): Benign (1 of 4 stars; one submission).

Conditions:
Familial hemophagocytic lymphohistiocytosis 3 (FHL3). Also called: UNC13D-Related Familial Hemophagocytic Lymphohistiocytosis (UNC13D-fHLH). Identifiers: Orphanet 540, MedGen C1837174, MONDO:0012146, OMIM 608898.

Allele frequency attached by ClinVar (database versions not stated): 1000 Genomes Project 0.01478; gnomAD exomes 0.00199; gnomAD 0.01067 and 0.01129; TOPMed 0.01220; 1000 Genomes Project 30x 0.01483.

Submission:

Illumina Laboratory Services, Illumina
Classification: Benign for Familial hemophagocytic lymphohistiocytosis 3. Last evaluated: 2018-01-13. Review status: criteria provided, single submitter. Criteria: ICSL Variant Classification Criteria 13 December 2019. Collection method: clinical testing. Allele origin: germline.
Comment: This variant was observed in the ICSL laboratory as part of a predisposition screen in an ostensibly healthy population. It had not been previously curated by ICSL or reported in the Human Gene Mutation Database (HGMD: prior to June 1st, 2018), and was therefore a candidate for classification through an automated scoring system. Utilizing variant allele frequency, disease prevalence and penetrance estimates, and inheritance mode, an automated score was calculated to assess if this variant is too frequent to cause the disease. Based on the score and internal cut-off values, a variant classified as benign is not then subjected to further curation. The score for this variant resulted in a classification of benign for this disease.